The following is an entry in ClinVar:

NM_000138.5(FBN1):c.6332G>A (p.Cys2111Tyr)

Gene: FBN1 (fibrillin 1; minus strand). Cytogenetic location: 15q21.1.
Variant type: single nucleotide variant.
Coding change: c.6332G>A on transcript NM_000138.5 (MANE Select); coding-DNA position 6332, G replaced by A.
Protein change: p.Cys2111Tyr; replaces cysteine 2111 with tyrosine.
Molecular consequence: missense variant.
Genome position (GRCh38, 1-based): chr15:48,437,369, C>T on the plus strand (G>A on the coding strand, the complement: FBN1 is on the minus strand). VCF-style: chr15-48437369-C-T. GRCh37 (hg19) VCF-style: chr15-48729566-C-T.
Other names: short protein forms C2111Y.
Identifiers: ClinVar variation 429578 (VCV000429578.15), dbSNP rs1131691467, ClinGen allele CA392336833.

ClinVar aggregate classification (germline): Pathogenic/Likely pathogenic. Review status: criteria provided, multiple submitters, no conflicts (2 of 4 stars). 3 submissions from 3 submitters: Pathogenic (2); Likely pathogenic (1). Last evaluated 2025-08-21.

Conditions:
Marfan syndrome (MFS). Also called: MARFAN SYNDROME, TYPE I; FBN1-Related Marfan Syndrome; Marfan syndrome type 1; Marfan's syndrome; Marfan syndrome, classic. Identifiers: Orphanet 284963, Orphanet 558, MedGen C0024796, MONDO:0007947, OMIM 154700.
Familial thoracic aortic aneurysm and aortic dissection (TAAD). Also called: Thoracic aortic aneurysms and dissections. Identifiers: Orphanet 91387, MedGen C4707243, MONDO:0019625.

Submissions (3):

Labcorp Genetics (formerly Invitae), Labcorp
Classification: Pathogenic for Marfan syndrome; Familial thoracic aortic aneurysm and aortic dissection. Last evaluated: 2025-08-21. Review status: criteria provided, single submitter. Criteria: Invitae Variant Classification Sherloc (09022015). Collection method: clinical testing. Allele origin: germline.
Comment: This sequence change replaces cysteine, which is neutral and slightly polar, with tyrosine, which is neutral and polar, at codon 2111 of the FBN1 protein (p.Cys2111Tyr). This variant is not present in population databases (gnomAD no frequency). This missense change has been observed in individuals with clinical features of Marfan syndrome (PMID: 9338581, 36517271). ClinVar contains an entry for this variant (Variation ID: 429578). Invitae Evidence Modeling of protein sequence and biophysical properties (such as structural, functional, and spatial information, amino acid conservation, physicochemical variation, residue mobility, and thermodynamic stability) indicates that this missense variant is expected to disrupt FBN1 protein function with a positive predictive value of 95%. This variant affects a cysteine residue in the EGF-like, TGFBP or hybrid motif domains of FBN1. Cysteine residues are believed to be involved in intramolecular disulfide bridges and have been shown to be important for FBN1 protein structure (PMID: 16905551, 19349279). In addition, missense substitutions affecting cysteine residues within these domains are significantly overrepresented among patients with Marfan syndrome (PMID: 16571647, 17701892). This variant disrupts the p.Cys2111 amino acid residue in FBN1. Other variant(s) that disrupt this residue have been observed in individuals with FBN1-related conditions (PMID: 11826022), which suggests that this may be a clinically significant amino acid residue. For these reasons, this variant has been classified as Pathogenic.

Baylor Genetics
Classification: Pathogenic for Marfan syndrome. Last evaluated: 2023-06-23. Review status: criteria provided, single submitter. Criteria: ACMG Guidelines, 2015. Collection method: clinical testing. Allele origin: unknown.

GeneDx
Classification: Likely pathogenic. Last evaluated: 2019-04-29. Review status: criteria provided, single submitter. Criteria: GeneDx Variant Classification Process June 2021. Collection method: clinical testing. Allele origin: germline. Affected: yes.
Comment: In silico analysis, which includes protein predictors and evolutionary conservation, supports a deleterious effect; Affects a cysteine residue within a TGF-binding protein domain (aka TB domain or 8-Cysteine domain) and is expected to disrupt disulfide bonding within this domain; other missense substitutions that affect cysteine residues within this TGF-binding protein domain have been reported in association with various FBN1-related phenotypes, including Marfan syndrome (Stenson et al., 2014).; Not observed in large population cohorts (Lek et al., 2016); This variant is associated with the following publications: (PMID: 9338581)

Literature cited by the submitters: PubMed 9338581 (cited by Labcorp Genetics (formerly Invitae), Labcorp); PubMed 36517271 (cited by Labcorp Genetics (formerly Invitae), Labcorp); PubMed 16905551 (cited by Labcorp Genetics (formerly Invitae), Labcorp); PubMed 19349279 (cited by Labcorp Genetics (formerly Invitae), Labcorp); PubMed 16571647 (cited by Labcorp Genetics (formerly Invitae), Labcorp); PubMed 17701892 (cited by Labcorp Genetics (formerly Invitae), Labcorp); PubMed 11826022 (cited by Labcorp Genetics (formerly Invitae), Labcorp).